The following is an entry in ClinVar:

NM_001267550.2(TTN):c.49814T>G (p.Val16605Gly)

Genes: TTN (titin; minus strand), TTN-AS1 (TTN antisense RNA 1; plus strand). Cytogenetic location: 2q31.2.
Variant type: single nucleotide variant.
Coding change: c.49814T>G on transcript NM_001267550.2 (MANE Select); coding-DNA position 49814, T replaced by G.
Protein change: p.Val16605Gly; replaces valine 16605 with glycine.
Molecular consequence: missense variant.
Genome position (GRCh38, 1-based): chr2:178,612,907, A>C on the plus strand (T>G on the coding strand, the complement: TTN is on the minus strand). VCF-style: chr2-178612907-A-C. GRCh37 (hg19) VCF-style: chr2-179477634-A-C.
Other names: p.V14964G:GTT>GGT; c.44891T>G, p.Val14964Gly (NM_001256850.1); c.22619T>G, p.Val7540Gly (NM_003319.4); c.42110T>G, p.Val14037Gly (NM_133378.4); c.22994T>G, p.Val7665Gly (NM_133432.3); c.23195T>G, p.Val7732Gly (NM_133437.4); short protein forms V14964G, V16605G, V7732G, V7540G, V7665G, V14037G.
Identifiers: ClinVar variation 202678 (VCV000202678.8), dbSNP rs781195013, ClinGen allele CA309956.

ClinVar aggregate classification (germline): Uncertain significance. Review status: criteria provided, multiple submitters, no conflicts (2 of 4 stars). 4 submissions from 4 submitters: Uncertain significance (2). 2 of the submissions do not count toward it. Last evaluated 2013-01-15.

Conditions:
Hypertrophic cardiomyopathy. Also called: HYPERTROPHIC MYOCARDIOPATHY. Identifiers: Orphanet 217569, MedGen C0007194, MeSH D002312, MONDO:0005045, HP:0001639.

Allele frequency attached by ClinVar (database versions not stated): ExAC 0.00133.

Submissions (4):

GeneDx
Classification: Uncertain significance. Last evaluated: 2013-01-15. Review status: criteria provided, single submitter. Criteria: GeneDx Variant Classification (06012015). Collection method: clinical testing. Allele origin: germline. Affected: yes.
Comment: Missense variants in the TTN gene are considered 'unclassified' if they are not previously reported in the literature and do not have >1% frequency in the population to be considered a polymorphism. Research indicates that truncating mutations in the TTN gene are expected to account for approximately 25% of familial and 18% of sporadic idiopathic DCM; however, truncating variants in the TTN gene have been reported in approximately 3% of reported control alleles. There has been little investigation into non-truncating variants. (Herman D et al. Truncations of titin causing dilated cardiomyopathy. N Eng J Med 366:619-628, 2012) The variant is found in DCM panel(s).

Genetics and Genomics Program, Sidra Medicine
Classification: Uncertain significance for Hypertrophic cardiomyopathy. Review status: criteria provided, single submitter. Criteria: ACMG Guidelines, 2015. Collection method: research. Allele origin: unknown. Affected: yes. Observed: 1 variant allele.

Clinical Genetics DNA and cytogenetics Diagnostics Lab, Erasmus MC, Erasmus Medical Center
Classification: Likely benign. Review status: no assertion criteria provided. Collection method: clinical testing. Allele origin: germline. Affected: yes. Study: VKGL Data-share Consensus. Not counted in ClinVar's aggregate classification.

Diagnostic Laboratory, Department of Genetics, University Medical Center Groningen
Classification: Benign. Review status: no assertion criteria provided. Collection method: clinical testing. Allele origin: germline. Affected: yes. Study: VKGL Data-share Consensus. Not counted in ClinVar's aggregate classification.